The following is an entry in ClinVar:

ClinVar aggregate classification (germline): Benign/Likely benign. Review status: criteria provided, multiple submitters, no conflicts (2 of 4 stars). 5 submissions from 5 submitters: Benign (1); Likely benign (3). 1 of the submissions does not count toward it. Last evaluated 2026-01-12.

Conditions:
SIPA1L3-related disorder. Also called: SIPA1L3-related condition.

Allele frequency attached by ClinVar (database versions not stated): 1000 Genomes Project 0.00160; 1000 Genomes Project 30x 0.00219; ESP Exome Variant Server 0.00362; TOPMed 0.00544; gnomAD exomes 0.00688; gnomAD 0.00746 and 0.00800; ExAC 0.00784.
gnomAD v4.1: 12,281 of 1,596,976 alleles (0.77%); highest among the groups gnomAD compares: Non-Finnish European, 0.83%; 64 homozygotes.

Submissions (12):

Labcorp Genetics (formerly Invitae), Labcorp
Classification: Benign. Last evaluated: 2026-01-12. Review status: criteria provided, single submitter. Criteria: Invitae Variant Classification Sherloc (09022015). Collection method: clinical testing. Allele origin: germline.

CeGaT Center for Human Genetics Tuebingen
Classification: Likely benign. Last evaluated: 2026-01-01. Review status: criteria provided, single submitter. Criteria: CeGaT Center For Human Genetics Tuebingen Variant Classification Criteria Version 2. Collection method: clinical testing. Allele origin: germline. Affected: yes. Observed: 4 variant alleles.
Comment: SIPA1L3: BP4, BS2

GeneDx
Classification: Likely benign. Last evaluated: 2018-04-16. Review status: criteria provided, single submitter. Criteria: GeneDx Variant Classification (06012015). Collection method: clinical testing. Allele origin: germline. Affected: yes.
Comment: This variant is considered likely benign or benign based on one or more of the following criteria: it is a conservative change, it occurs at a poorly conserved position in the protein, it is predicted to be benign by multiple in silico algorithms, and/or has population frequency not consistent with disease.

Breakthrough Genomics
Classification: Likely benign. Review status: criteria provided, single submitter. Criteria: ACMG Guidelines, 2015. Collection method: not provided. Allele origin: germline. Inheritance: Autosomal recessive inheritance. Affected: yes.

PreventionGenetics, part of Exact Sciences
Classification: Benign for SIPA1L3-related condition. Last evaluated: 2019-06-13. Review status: no assertion criteria provided. Collection method: clinical testing. Allele origin: germline. Not counted in ClinVar's aggregate classification.
Comment: This variant is classified as benign based on ACMG/AMP sequence variant interpretation guidelines (Richards et al. 2015 PMID: 25741868, with internal and published modifications).

Dr. Peter K. Rogan Lab, Western University
No classification provided (evidence only). Condition: Lung cancer. Review status: no classification provided. Collection method: in vitro. Allele origin: not applicable. Functional consequence: retained intron. Not counted in ClinVar's aggregate classification.

Dr. Peter K. Rogan Lab, Western University
No classification provided (evidence only). Condition: Melanoma. Review status: no classification provided. Collection method: in vitro. Allele origin: not applicable. Functional consequence: retained intron. Not counted in ClinVar's aggregate classification.

Dr. Peter K. Rogan Lab, Western University
No classification provided (evidence only). Condition: Colon adenocarcinoma. Review status: no classification provided. Collection method: in vitro. Allele origin: not applicable. Functional consequence: retained intron. Not counted in ClinVar's aggregate classification.

Dr. Peter K. Rogan Lab, Western University
No classification provided (evidence only). Condition: Cervical cancer. Review status: no classification provided. Collection method: in vitro. Allele origin: not applicable. Functional consequence: retained intron. Not counted in ClinVar's aggregate classification.

Dr. Peter K. Rogan Lab, Western University
No classification provided (evidence only). Condition: Cervical cancer. Review status: no classification provided. Collection method: in vitro. Allele origin: not applicable. Functional consequence: retained intron. Not counted in ClinVar's aggregate classification.

Dr. Peter K. Rogan Lab, Western University
No classification provided (evidence only). Condition: Sarcoma. Review status: no classification provided. Collection method: in vitro. Allele origin: not applicable. Functional consequence: retained intron. Not counted in ClinVar's aggregate classification.

Dr. Peter K. Rogan Lab, Western University
No classification provided (evidence only). Condition: Hepatocellular carcinoma. Review status: no classification provided. Collection method: in vitro. Allele origin: not applicable. Functional consequence: retained intron. Not counted in ClinVar's aggregate classification.

NM_015073.3(SIPA1L3):c.848C>T (p.Ala283Val)

Gene: SIPA1L3 (signal induced proliferation associated 1 like 3; plus strand). Cytogenetic location: 19q13.13.
Variant type: single nucleotide variant.
Coding change: c.848C>T on transcript NM_015073.3 (MANE Select); coding-DNA position 848, C replaced by T.
Protein change: p.Ala283Val; replaces alanine 283 with valine.
Molecular consequence: missense variant.
Genome position (GRCh38, 1-based): chr19:38,082,413, C>T. VCF-style: chr19-38082413-C-T. GRCh37 (hg19) VCF-style: chr19-38573053-C-T.
Other names: short protein forms A283V.
Identifiers: ClinVar variation 682036 (VCV000682036.37), dbSNP rs141958728, ClinGen allele CA9409214.